The following is an entry in ClinVar:

ClinVar aggregate classification (germline): Likely benign. Review status: criteria provided, multiple submitters, no conflicts (2 of 4 stars). 4 submissions from 4 submitters: Likely benign (4). Last evaluated 2025-11-10.

Conditions:
Inborn genetic diseases. Identifiers: MedGen C0950123, MeSH D030342.
ARID1B-Related Disorder. Identifiers: MedGen CN381337.

Allele frequency attached by ClinVar (database versions not stated): gnomAD 0.00007 and 0.00009; TOPMed 0.00008; gnomAD exomes 0.00009 and 0.00018; ExAC 0.00012; 1000 Genomes Project 30x 0.00016; 1000 Genomes Project 0.00020; ESP Exome Variant Server 0.00023.
gnomAD v4.1: 144 of 1,613,956 alleles (0.0089%); highest among the groups gnomAD compares: Admixed American, 0.025%; 1 homozygote.

Submissions (4):

Labcorp Genetics (formerly Invitae), Labcorp
Classification: Likely benign. Last evaluated: 2025-11-10. Review status: criteria provided, single submitter. Criteria: Invitae Variant Classification Sherloc (09022015). Collection method: clinical testing. Allele origin: germline.

PreventionGenetics, part of Exact Sciences
Classification: Likely benign for ARID1B-related condition. Last evaluated: 2025-05-29. Review status: criteria provided, single submitter. Criteria: ACMG Guidelines, 2015. Collection method: clinical testing. Allele origin: germline.
Comment: This variant is classified as likely benign based on ACMG/AMP sequence variant interpretation guidelines (Richards et al. 2015 PMID: 25741868, with internal and published modifications).

Ambry Genetics
Classification: Likely benign for Inborn genetic diseases. Last evaluated: 2022-11-08. Review status: criteria provided, single submitter. Criteria: Ambry Variant Classification Scheme 2023. Collection method: clinical testing. Allele origin: germline.

Breakthrough Genomics
Classification: Likely benign. Review status: criteria provided, single submitter. Criteria: ACMG Guidelines, 2015. Collection method: not provided. Allele origin: germline. Inheritance: Autosomal dominant inheritance. Affected: yes.

NM_001374828.1(ARID1B):c.1810A>G (p.Met604Val)

Gene: ARID1B (AT-rich interaction domain 1B; plus strand). Cytogenetic location: 6q25.3.
Variant type: single nucleotide variant.
Coding change: c.1810A>G on transcript NM_001374828.1 (MANE Select); coding-DNA position 1810, A replaced by G.
Protein change: p.Met604Val; replaces methionine 604 with valine.
Molecular consequence: missense variant.
Genome position (GRCh38, 1-based): chr6:156,829,245, A>G. VCF-style: chr6-156829245-A-G. GRCh37 (hg19) VCF-style: chr6-157150379-A-G.
Other names: c.1810A>G, p.Met604Val (NM_001371656.1, NM_001374820.1, NM_017519.3); c.1561A>G (NM_020732.3); short protein forms M604V.
Identifiers: ClinVar variation 1627941 (VCV001627941.11), dbSNP rs147794292, ClinGen allele CA4066828.
Genomic context (GRCh38, chr6:156,829,245, plus strand): 5'-AAAGAATGAATTAATAAACCGACTTCTTTTATGTCTTCACAGGGCAGCCCAATGGATCCA[A>G]TGGTGATGAAGAGACCTCAGTTGTATGGCATGGGCAGTAACCCTCATTCTCAGCCTCAGC-3'
Protein context (NP_001361757.1, residues 594-614): GRSQGSPMDP[Met604Val]VMKRPQLYGM